The following is an entry in ClinVar:

ClinVar aggregate classification (germline): Pathogenic (1 of 4 stars; one submission).

Conditions:
GNPTAB-mucolipidosis. Also called: UDP-N-acetylglucosamine-1-phosphotransferase subunit alpha/beta deficiency. Identifiers: MedGen CN322573, MONDO:0100122.

Submission:

Myriad Genetics, Inc.
Classification: Pathogenic for GNPTAB-mucolipidosis. Last evaluated: 2025-03-22. Review status: criteria provided, single submitter. Criteria: Myriad Autosomal Dominant, Autosomal Recessive and X-Linked Classification Criteria (2023). Collection method: clinical testing. Allele origin: unknown.
Comment: NM_024312.4(GNPTAB):c.156delG(L52Ffs*31) is expected to be pathogenic in the context of GNPTAB-related disorders. This variant is predicted to lead to an abnormal or absent protein product due to the creation of a premature termination codon in GNPTAB, a gene where loss-of-function variants are known to be pathogenic. Please note: this variant was assessed in the context of healthy population screening.

NM_024312.5(GNPTAB):c.156del (p.Leu52fs)

Gene: GNPTAB (N-acetylglucosamine-1-phosphate transferase subunits alpha and beta; minus strand). Cytogenetic location: 12q23.2.
Variant type: Deletion.
Coding change: c.156del on transcript NM_024312.5 (MANE Select); coding-DNA position 156, one base deleted (G; older notation c.156delG).
Protein change: p.Leu52fs; shifts the reading frame from leucine 52.
Molecular consequence: frameshift variant.
Genome position (GRCh38, 1-based): chr12:101,796,724, C deleted on the plus strand (G on the coding strand, the reverse complement: GNPTAB is on the minus strand). VCF-style (leftmost placement, unchanged base first): chr12-101796723-AC-A. GRCh37 (hg19) VCF-style: chr12-102190501-AC-A.
Other names: short protein forms L52fs.
Identifiers: ClinVar variation 5014248 (VCV005014248.1).
Genomic context (GRCh38, chr12:101,796,723, plus strand): 5'-AAAATAGATCTTACCGATTCTGAAAGGACTTTCCAGCAATATTGTCTCTATAGGAATCAA[AC>A]AAAACATGGTATTGATCTCGGCTCCATTCCAGAACCACCTAGAACAAAGAAAAAGAAACG-3'